The following is an entry in ClinVar:

NM_024529.5(CDC73):c.1346G>A (p.Gly449Asp)

Gene: CDC73 (cell division cycle 73; plus strand). Cytogenetic location: 1q31.2.
Variant type: single nucleotide variant.
Coding change: c.1346G>A on transcript NM_024529.5 (MANE Select); coding-DNA position 1346, G replaced by A.
Protein change: p.Gly449Asp; replaces glycine 449 with aspartic acid.
Molecular consequence: missense variant.
Genome position (GRCh38, 1-based): chr1:193,236,285, G>A. VCF-style: chr1-193236285-G-A. GRCh37 (hg19) VCF-style: chr1-193205415-G-A.
Other names: short protein forms G449D.
Identifiers: ClinVar variation 4223479 (VCV004223479.1).

ClinVar aggregate classification (germline): Uncertain significance (1 of 4 stars; one submission).

Conditions:
Hereditary cancer-predisposing syndrome. Also called: Hereditary Cancer Syndrome; Hereditary neoplastic syndrome; Neoplastic Syndromes, Hereditary; Tumor predisposition. Identifiers: Orphanet 140162, MedGen C0027672, MeSH D009386, MONDO:0015356.

Submission:

Ambry Genetics
Classification: Uncertain significance for Hereditary cancer-predisposing syndrome. Last evaluated: 2025-08-02. Review status: criteria provided, single submitter. Criteria: Ambry Variant Classification Scheme 2023. Collection method: clinical testing. Allele origin: germline.
Comment: The p.G449D variant (also known as c.1346G>A), located in coding exon 15 of the CDC73 gene, results from a G to A substitution at nucleotide position 1346. The glycine at codon 449 is replaced by aspartic acid, an amino acid with similar properties. This amino acid position is conserved. In addition, this alteration is predicted to be deleterious by in silico analysis. Based on the available evidence, the clinical significance of this variant remains unclear.